The following is an entry in ClinVar:

ClinVar aggregate classification (germline): Uncertain significance. Review status: criteria provided, multiple submitters, no conflicts (2 of 4 stars). 2 submissions from 2 submitters: Uncertain significance (2). Last evaluated 2024-04-25.

Conditions:
Familial thoracic aortic aneurysm and aortic dissection (TAAD). Also called: Thoracic aortic aneurysms and dissections. Identifiers: Orphanet 91387, MedGen C4707243, MONDO:0019625.

Submissions (2):

Labcorp Genetics (formerly Invitae), Labcorp
Classification: Uncertain significance for Familial thoracic aortic aneurysm and aortic dissection. Last evaluated: 2024-04-25. Review status: criteria provided, single submitter. Criteria: Invitae Variant Classification Sherloc (09022015). Collection method: clinical testing. Allele origin: germline.
Comment: This sequence change replaces arginine, which is basic and polar, with glycine, which is neutral and non-polar, at codon 413 of the TGFBR1 protein (p.Arg413Gly). This variant is not present in population databases (gnomAD no frequency). This variant has not been reported in the literature in individuals affected with TGFBR1-related conditions. Advanced modeling of protein sequence and biophysical properties (such as structural, functional, and spatial information, amino acid conservation, physicochemical variation, residue mobility, and thermodynamic stability) has been performed at Invitae for this missense variant, however the output from this modeling did not meet the statistical confidence thresholds required to predict the impact of this variant on TGFBR1 protein function. In summary, the available evidence is currently insufficient to determine the role of this variant in disease. Therefore, it has been classified as a Variant of Uncertain Significance.

Mayo Clinic Laboratories, Mayo Clinic
Classification: Uncertain significance. Last evaluated: 2023-03-16. Review status: criteria provided, single submitter. Criteria: ACMG Guidelines, 2015. Collection method: clinical testing. Allele origin: germline. Observed: 1 variant allele.
Comment: PP3, PM2_supporting

NM_004612.4(TGFBR1):c.1237C>G (p.Arg413Gly)

Gene: TGFBR1 (transforming growth factor beta receptor 1; plus strand). Cytogenetic location: 9q22.33.
Variant type: single nucleotide variant.
Coding change: c.1237C>G on transcript NM_004612.4 (MANE Select); coding-DNA position 1237, C replaced by G.
Protein change: p.Arg413Gly; replaces arginine 413 with glycine.
Molecular consequence: missense variant. On other transcripts: non-coding transcript variant (1).
Genome position (GRCh38, 1-based): chr9:99,146,591, C>G. VCF-style: chr9-99146591-C-G. GRCh37 (hg19) VCF-style: chr9-101908873-C-G.
Other names: p.Arg413Gly; c.1081C>G, p.Arg361Gly (NM_001407416.1); c.1069C>G, p.Arg357Gly (NM_001407417.1); c.1042C>G, p.Arg348Gly (NM_001407418.1, NM_001407419.1, NM_001407420.1 and 1 more transcripts); c.1006C>G, p.Arg336Gly (NM_001130916.3, NM_001407435.1); c.1249C>G, p.Arg417Gly (NM_001306210.2); c.1030C>G, p.Arg344Gly (NM_001407423.1, NM_001407424.1, NM_001407425.1 and 8 more transcripts); c.991C>G, p.Arg331Gly (NM_001407436.1); and 2 more; short protein forms R177G, R254G, R331G, R336G, R344G, R348G, R357G, R361G.
Identifiers: ClinVar variation 2683055 (VCV002683055.3), dbSNP rs200595614, ClinGen allele CA374233135.